The following is an entry in ClinVar:

ClinVar aggregate classification (germline): Uncertain significance. Review status: criteria provided, multiple submitters, no conflicts (2 of 4 stars). 2 submissions from 2 submitters: Uncertain significance (2). Last evaluated 2024-11-15.

Submissions (2):

Labcorp Genetics (formerly Invitae), Labcorp
Classification: Uncertain significance. Last evaluated: 2024-11-15. Review status: criteria provided, single submitter. Criteria: Invitae Variant Classification Sherloc (09022015). Collection method: clinical testing. Allele origin: germline.
Comment: This sequence change replaces proline, which is neutral and non-polar, with serine, which is neutral and polar, at codon 1068 of the TNS2 protein (p.Pro1068Ser). This variant is present in population databases (rs745827427, gnomAD 0.005%). This variant has not been reported in the literature in individuals affected with TNS2-related conditions. An algorithm developed to predict the effect of missense changes on protein structure and function (PolyPhen-2) suggests that this variant is likely to be disruptive. In summary, the available evidence is currently insufficient to determine the role of this variant in disease. Therefore, it has been classified as a Variant of Uncertain Significance.

Ambry Genetics
Classification: Uncertain significance. Last evaluated: 2024-08-26. Review status: criteria provided, single submitter. Criteria: Ambry Variant Classification Scheme 2023. Collection method: clinical testing. Allele origin: germline.

NM_170754.4(TNS2):c.3172C>T (p.Pro1058Ser)

Gene: TNS2 (tensin 2; plus strand). Cytogenetic location: 12q13.13.
Variant type: single nucleotide variant.
Coding change: c.3172C>T on transcript NM_170754.4 (MANE Select); coding-DNA position 3172, C replaced by T.
Protein change: p.Pro1058Ser; replaces proline 1058 with serine.
Molecular consequence: missense variant.
Genome position (GRCh38, 1-based): chr12:53,061,078, C>T. VCF-style: chr12-53061078-C-T. GRCh37 (hg19) VCF-style: chr12-53454862-C-T.
Other names: c.3172C>T, p.Pro1058Ser (NM_001416202.1); c.3130C>T, p.Pro1044Ser (NM_001416203.1); c.3199C>T, p.Pro1067Ser (NM_001416204.1); c.3103C>T, p.Pro1035Ser (NM_015319.3); c.2800C>T, p.Pro934Ser (NM_198316.2); short protein forms P1035S, P1067S, P1044S, P1058S, P934S.
Identifiers: ClinVar variation 3459634 (VCV003459634.3).